The following is an entry in ClinVar:

NM_007074.4(CORO1A):c.346C>T (p.Leu116=)

Gene: CORO1A (coronin 1A; plus strand). Cytogenetic location: 16p11.2.
Variant type: single nucleotide variant.
Coding change: c.346C>T on transcript NM_007074.4 (MANE Select); coding-DNA position 346, C replaced by T.
Protein change: p.Leu116=; no amino-acid change (leucine 116 retained).
Molecular consequence: synonymous variant.
Genome position (GRCh38, 1-based): chr16:30,186,840, C>T. VCF-style: chr16-30186840-C-T. GRCh37 (hg19) VCF-style: chr16-30198161-C-T.
Other names: c.346C>T, p.Leu116= (NM_001193333.3).
Identifiers: ClinVar variation 786565 (VCV000786565.15), dbSNP rs138146826, ClinGen allele CA8003100.

ClinVar aggregate classification (germline): Likely benign. Review status: criteria provided, multiple submitters, no conflicts (2 of 4 stars). 5 submissions from 5 submitters: Likely benign (4). 1 of the submissions does not count toward it. Last evaluated 2026-01-23.

Conditions:
Severe combined immunodeficiency due to CORO1A deficiency. Also called: Immunodeficiency 8; IMMUNODEFICIENCY 8 WITH LYMPHOPROLIFERATION. Identifiers: Orphanet 228003, MedGen C3809383, MONDO:0014168, OMIM 615401.
CORO1A-related disorder. Also called: CORO1A-related condition.

Allele frequency attached by ClinVar (database versions not stated): gnomAD exomes 0.00027 and 0.00056; ExAC 0.00029; ESP Exome Variant Server 0.00038; TOPMed 0.00040; gnomAD 0.00046 and 0.00048.

Submissions (5):

Women's Health and Genetics/Laboratory Corporation of America, LabCorp
Classification: Likely benign. Last evaluated: 2026-01-23. Review status: criteria provided, single submitter. Criteria: LabCorp Variant Classification Summary - May 2015. Collection method: clinical testing. Allele origin: germline.

Labcorp Genetics (formerly Invitae), Labcorp
Classification: Likely benign for Severe combined immunodeficiency due to CORO1A deficiency. Last evaluated: 2026-01-21. Review status: criteria provided, single submitter. Criteria: Invitae Variant Classification Sherloc (09022015). Collection method: clinical testing. Allele origin: germline.

Blueprint Genetics
Classification: Likely benign. Last evaluated: 2024-10-07. Review status: criteria provided, single submitter. Criteria: ACMG Guidelines, 2015. Collection method: clinical testing. Allele origin: germline.

Breakthrough Genomics
Classification: Likely benign. Review status: criteria provided, single submitter. Criteria: ACMG Guidelines, 2015. Collection method: not provided. Allele origin: germline. Inheritance: Autosomal recessive inheritance. Affected: yes.

PreventionGenetics, part of Exact Sciences
Classification: Likely benign for CORO1A-related condition. Last evaluated: 2019-02-27. Review status: no assertion criteria provided. Collection method: clinical testing. Allele origin: germline. Not counted in ClinVar's aggregate classification.
Comment: This variant is classified as likely benign based on ACMG/AMP sequence variant interpretation guidelines (Richards et al. 2015 PMID: 25741868, with internal and published modifications).